The following is an entry in ClinVar:

NM_145290.4(ADGRA3):c.2192C>T (p.Thr731Met)

Gene: ADGRA3 (adhesion G protein-coupled receptor A3; minus strand). Cytogenetic location: 4p15.2.
Variant type: single nucleotide variant.
Coding change: c.2192C>T on transcript NM_145290.4 (MANE Select); coding-DNA position 2192, C replaced by T.
Protein change: p.Thr731Met; replaces threonine 731 with methionine.
Molecular consequence: missense variant.
Genome position (GRCh38, 1-based): chr4:22,413,222, G>A on the plus strand (C>T on the coding strand, the complement: ADGRA3 is on the minus strand). VCF-style: chr4-22413222-G-A. GRCh37 (hg19) VCF-style: chr4-22414845-G-A.
Other names: c.2192C>T (NM_145290.2); short protein forms T731M.
Identifiers: ClinVar variation 1061410 (VCV001061410.10), dbSNP rs1421290700, ClinGen allele CA356479414.
Genomic context (GRCh38, chr4:22,413,222, plus strand): 5'-AAAGTTAACAACTGCCATACCATTAAAACTGCATAGTTACTAAGGGAGTAGCACTGAATC[G>A]TAGTGATATTTTCATCTGAATAGAGTATATGGCACCCATCTGACTTCCAGCCTCCTTGTC-3'
Protein context (NP_660333.2, residues 721-741): HILYSDENIT[Thr731Met]IQCYSLSNYA

ClinVar aggregate classification (germline): Uncertain significance. Review status: criteria provided, multiple submitters, no conflicts (2 of 4 stars). 2 submissions from 2 submitters: Uncertain significance (2). Last evaluated 2024-12-30.

Allele frequency attached by ClinVar (database versions not stated): gnomAD 0.00002 and 0.00003; gnomAD exomes 0.00002.
gnomAD v4.1: 20 of 1,613,788 alleles (0.0012%); highest among the groups gnomAD compares: African/African-American, 0.004%; no homozygotes.

Submissions (2):

Labcorp Genetics (formerly Invitae), Labcorp
Classification: Uncertain significance. Last evaluated: 2024-12-30. Review status: criteria provided, single submitter. Criteria: Invitae Variant Classification Sherloc (09022015). Collection method: clinical testing. Allele origin: germline.
Comment: This sequence change replaces threonine, which is neutral and polar, with methionine, which is neutral and non-polar, at codon 731 of the ADGRA3 protein (p.Thr731Met). This variant is present in population databases (no rsID available, gnomAD 0.008%). This variant has not been reported in the literature in individuals affected with ADGRA3-related conditions. ClinVar contains an entry for this variant (Variation ID: 1061410). An algorithm developed to predict the effect of missense changes on protein structure and function (PolyPhen-2) suggests that this variant is likely to be disruptive. In summary, the available evidence is currently insufficient to determine the role of this variant in disease. Therefore, it has been classified as a Variant of Uncertain Significance.

Ambry Genetics
Classification: Uncertain significance. Last evaluated: 2024-01-23. Review status: criteria provided, single submitter. Criteria: Ambry Variant Classification Scheme 2023. Collection method: clinical testing. Allele origin: germline.